The following is an entry in ClinVar:

NM_006031.6(PCNT):c.459_520delinsGGAACAGCGTGGGATGTTCACAG (p.His156_Ile174delinsArgGlyMetPheThrVal)

Gene: PCNT (pericentrin; plus strand). Cytogenetic location: 21q22.3.
Variant type: Indel.
Coding change: c.459_520delinsGGAACAGCGTGGGATGTTCACAG on transcript NM_006031.6 (MANE Select); coding-DNA positions 459 to 520, the reference bases replaced by GGAACAGCGTGGGATGTTCACAG.
Protein change: p.His156_Ile174delinsArgGlyMetPheThrVal.
Molecular consequence: inframe indel.
Genome position (GRCh38, 1-based): chr21:46,334,588-46,334,649, 62 bases replaced. GRCh37 (hg19): chr21:47,754,502-47,754,563.
Other names: c.105_166delinsGGAACAGCGTGGGATGTTCACAG, p.His38_Ile56delinsArgGlyMetPheThrVal (NM_001315529.2).
Identifiers: ClinVar variation 5001330 (VCV005001330.1).

ClinVar aggregate classification (germline): Uncertain significance (1 of 4 stars; one submission).

Conditions:
PCNT-related disorder. Also called: PCNT-related condition.

Submission:

PreventionGenetics, part of Exact Sciences
Classification: Uncertain significance for PCNT-related condition. Last evaluated: 2024-12-18. Review status: criteria provided, single submitter. Criteria: ACMG Guidelines, 2015. Collection method: clinical testing. Allele origin: germline.
Comment: The PCNT c.459_520delinsGGAACAGCGTGGGATGTTCACAG variant is predicted to result in an in-frame deletion and insertion. To our knowledge, this variant has not been reported in the literature or in a large population database (gnomAD), indicating this variant is rare. At this time, the clinical significance of this variant is uncertain due to the absence of conclusive functional and genetic evidence.